The following is an entry in ClinVar:

NM_147196.3(TMIE):c.144_145del (p.Val49fs)

Gene: TMIE (transmembrane inner ear; plus strand). Cytogenetic location: 3p21.31.
Variant type: Deletion.
Coding change: c.144_145del on transcript NM_147196.3 (MANE Select); coding-DNA positions 144 to 145, 2 bases deleted (AG; older notation c.144_145delAG).
Protein change: p.Val49fs; shifts the reading frame from valine 49.
Molecular consequence: frameshift variant. On other transcripts: 5 prime UTR variant (2).
Genome position (GRCh38, 1-based): chr3:46,705,840-46,705,841, AG deleted. VCF-style (leftmost placement, unchanged base first): chr3-46705839-CAG-C. GRCh37 (hg19) VCF-style: chr3-46747329-CAG-C.
Other names: c.-16_-15del (NM_001370524.1, NM_001370525.1); short protein forms V49fs.
Identifiers: ClinVar variation 1185676 (VCV001185676.3), dbSNP rs1700545926, ClinGen allele CA1362233118.
Genomic context (GRCh38, chr3:46,705,839, plus strand): 5'-CTGACCCACAGCCCAGCACGGCCCCACCCAAGCCCAAGCCGCCTCCGCTGACCAAGGAGA[CAG>C]TGGTGTTCTGGGACATGCGCCTGTGGCACGTGGTGGGCATCTTTTCGCTCTTCGTGTTGT-3'

ClinVar aggregate classification (germline): Uncertain significance. Review status: criteria provided, single submitter (1 of 4 stars). 2 submissions from 2 submitters: Uncertain significance (1). 1 of the submissions does not count toward it.

Conditions:
Autosomal recessive nonsyndromic hearing loss 6. Also called: NEUROSENSORY NONSYNDROMIC RECESSIVE DEAFNESS 6. Identifiers: Orphanet 90636, MedGen C1832992, MONDO:0010965, OMIM 600971.

Submissions (2):

Juno Genomics, Hangzhou Juno Genomics, Inc
Classification: Uncertain significance for Autosomal recessive nonsyndromic hearing loss 6. Review status: criteria provided, single submitter. Criteria: ACMG Guidelines, 2015. Collection method: clinical testing. Allele origin: germline.
Comment: Absent from controls (or at extremely low frequency if recessive) in Genome Aggregation Database.;Null variant in a gene where loss of function (LOF) is a known mechanism of disease.

Deafness Molecular Diagnostic Center, Chinese PLA General Hospital
Classification: Pathogenic for Autosomal recessive nonsyndromic hearing loss 6. Review status: no assertion criteria provided. Criteria: ACMG Guidelines, 2015. Collection method: case-control. Allele origin: paternal. Affected: yes. Not counted in ClinVar's aggregate classification.